The following is an entry in ClinVar:

ClinVar aggregate classification (germline): Pathogenic (1 of 4 stars; one submission).

Conditions:
Zellweger spectrum disorders (ZS). Also called: Zellweger Spectrum Disorder; Zellweger Spectrum; Zellweger syndrome; Zellweger Spectrum Disorder (ZSD). Identifiers: Orphanet 912, MedGen C0043459, MONDO:0019609.

Allele frequency attached by ClinVar (database versions not stated): gnomAD exomes below 0.00001.
gnomAD v4.1: 1 of 1,613,152 alleles (0.000062%); highest among the groups gnomAD compares: South Asian, 0.0011%; no homozygotes.

Submission:

Labcorp Genetics (formerly Invitae), Labcorp
Classification: Pathogenic for Zellweger spectrum disorders. Last evaluated: 2023-05-08. Review status: criteria provided, single submitter. Criteria: Invitae Variant Classification Sherloc (09022015). Collection method: clinical testing. Allele origin: germline.
Comment: This sequence change affects a donor splice site in intron 23 of the PEX1 gene. While this variant is not anticipated to result in nonsense mediated decay, it likely alters RNA splicing and results in a disrupted protein product. This variant is not present in population databases (gnomAD no frequency). This variant has not been reported in the literature in individuals affected with PEX1-related conditions. ClinVar contains an entry for this variant (Variation ID: 2009222). Variants that disrupt the consensus splice site are a relatively common cause of aberrant splicing (PMID: 17576681, 9536098). Algorithms developed to predict the effect of sequence changes on RNA splicing suggest that this variant may disrupt the consensus splice site. This variant disrupts a region of the PEX1 protein in which other variant(s) (Deletion of Exon 24) have been determined to be pathogenic (Invitae). This suggests that this is a clinically significant region of the protein, and that variants that disrupt it are likely to be disease-causing. For these reasons, this variant has been classified as Pathogenic.

Literature cited by the submitters: PubMed 17576681; PubMed 9536098.

NM_000466.3(PEX1):c.3767+2T>C

Genes: GATAD1 (GATA zinc finger domain containing 1; plus strand), PEX1 (peroxisomal biogenesis factor 1; minus strand). Cytogenetic location: 7q21.2.
Variant type: single nucleotide variant.
Coding change: c.3767+2T>C on transcript NM_000466.3 (MANE Select); the canonical splice donor site of the intron after coding-DNA position 3767, T replaced by C.
Molecular consequence: splice donor variant.
Genome position (GRCh38, 1-based): chr7:92,489,291, A>G on the plus strand (T>C on the coding strand, the complement: PEX1 is on the minus strand). VCF-style: chr7-92489291-A-G. GRCh37 (hg19) VCF-style: chr7-92118605-A-G.
Other names: c.3596+2T>C (NM_001282677.2); c.3143+2T>C (NM_001282678.2).
Identifiers: ClinVar variation 2009222 (VCV002009222.4), dbSNP rs745692619, ClinGen allele CA368158994.